The following is an entry in ClinVar:

NM_001035.3(RYR2):c.4974C>T (p.Leu1658=)

Gene: RYR2 (ryanodine receptor 2; plus strand). Cytogenetic location: 1q43.
Variant type: single nucleotide variant.
Coding change: c.4974C>T on transcript NM_001035.3 (MANE Select); coding-DNA position 4974, C replaced by T.
Protein change: p.Leu1658=; no amino-acid change (leucine 1658 retained).
Molecular consequence: synonymous variant.
Genome position (GRCh38, 1-based): chr1:237,614,102, C>T. VCF-style: chr1-237614102-C-T. GRCh37 (hg19) VCF-style: chr1-237777402-C-T.
Other names: c.4974C>T (NM_001035.2).
Identifiers: ClinVar variation 1607072 (VCV001607072.11), dbSNP rs2148593486, ClinGen allele CA424030992.

ClinVar aggregate classification (germline): Likely benign. Review status: criteria provided, multiple submitters, no conflicts (2 of 4 stars). 3 submissions from 3 submitters: Likely benign (3). Last evaluated 2026-03-30.

Conditions:
Catecholaminergic polymorphic ventricular tachycardia (CVPT). Also called: Catecholamine-induced polymorphic ventricular tachycardia. Identifiers: Orphanet 3286, MedGen C5574922, MONDO:0017990.
Catecholaminergic polymorphic ventricular tachycardia 1. Also called: VENTRICULAR TACHYCARDIA, CATECHOLAMINERGIC POLYMORPHIC, 1, WITH OR WITHOUT ATRIAL DYSFUNCTION AND/OR DILATED CARDIOMYOPATHY; VENTRICULAR TACHYCARDIA, STRESS-INDUCED POLYMORPHIC 1; RYR2-Related Catecholaminergic Polymorphic Ventricular Tachycardia. Identifiers: Orphanet 3286, MedGen C1631597, MONDO:0011484, OMIM 604772.
Cardiovascular phenotype. Identifiers: MedGen CN230736.

gnomAD v4.1: 2 of 1,614,048 alleles (0.00012%); highest among the groups gnomAD compares: Non-Finnish European, 0.00017%; no homozygotes.

Submissions (3):

Ambry Genetics
Classification: Likely benign for Cardiovascular phenotype. Last evaluated: 2026-03-30. Review status: criteria provided, single submitter. Criteria: Ambry Variant Classification Scheme 2023. Collection method: clinical testing. Allele origin: germline.

All of Us Research Program, National Institutes of Health
Classification: Likely benign for Catecholaminergic polymorphic ventricular tachycardia. Last evaluated: 2024-05-14. Review status: criteria provided, single submitter. Criteria: ACMG Guidelines, 2015. Collection method: clinical testing. Allele origin: germline. Inheritance: Autosomal dominant inheritance. Observed: 1 variant allele, 1 heterozygote.
Comment: This study involves interpretation of variants in research participants for the purpose of population health screening. Participant phenotype was not available at the time of variant classification. Additional details can be found in publication PMID: 35346344, PMCID: PMC8962531

Labcorp Genetics (formerly Invitae), Labcorp
Classification: Likely benign for Catecholaminergic polymorphic ventricular tachycardia 1. Last evaluated: 2021-05-18. Review status: criteria provided, single submitter. Criteria: Invitae Variant Classification Sherloc (09022015). Collection method: clinical testing. Allele origin: germline.